The following is an entry in ClinVar:

NM_198253.3(TERT):c.884C>T (p.Ser295Phe)

Gene: TERT (telomerase reverse transcriptase; minus strand). Cytogenetic location: 5p15.33.
Variant type: single nucleotide variant.
Coding change: c.884C>T on transcript NM_198253.3 (MANE Select); coding-DNA position 884, C replaced by T.
Protein change: p.Ser295Phe; replaces serine 295 with phenylalanine.
Molecular consequence: missense variant. On other transcripts: non-coding transcript variant (2).
Genome position (GRCh38, 1-based): chr5:1,294,002, G>A on the plus strand (C>T on the coding strand, the complement: TERT is on the minus strand). VCF-style: chr5-1294002-G-A. GRCh37 (hg19) VCF-style: chr5-1294117-G-A.
Other names: c.884C>T, p.Ser295Phe (NM_001193376.3); short protein forms S295F.
Identifiers: ClinVar variation 3455211 (VCV003455211.1).
Genomic context (GRCh38, chr5:1,294,002, plus strand): 5'-CGTGGTGGCCGCGATGTGGATGGGGGGCCCGCGTGGTGCTGGCGGCCCACGGATGGGTGG[G>A]AGTGGCGCGTGCCAGAGAGCGCACCCTCCAAAGAGGTGGCTTCTTCGGCGGGTCTGGCAG-3'
Protein context (NP_937983.2, residues 285-305): LEGALSGTRH[Ser295Phe]HPSVGRQHHA

ClinVar aggregate classification (germline): Uncertain significance (1 of 4 stars; one submission).

Conditions:
Dyskeratosis congenita. Identifiers: Orphanet 1775, MedGen C0265965, MONDO:0015780.

Submission:

Ambry Genetics
Classification: Uncertain significance for Dyskeratosis congenita. Last evaluated: 2024-10-30. Review status: criteria provided, single submitter. Criteria: Ambry Variant Classification Scheme 2023. Collection method: clinical testing. Allele origin: germline.
Comment: The p.S295F variant (also known as c.884C>T), located in coding exon 2 of the TERT gene, results from a C to T substitution at nucleotide position 884. The serine at codon 295 is replaced by phenylalanine, an amino acid with highly dissimilar properties. This amino acid position is conserved. In addition, this alteration is predicted to be tolerated by in silico analysis. Based on the available evidence, the clinical significance of this variant remains unclear.